The following is an entry in ClinVar:

NM_020843.4(SCAPER):c.1495+6G>T

Gene: SCAPER (S-phase cyclin A associated protein in the ER; minus strand). Cytogenetic location: 15q24.3.
Variant type: single nucleotide variant.
Coding change: c.1495+6G>T on transcript NM_020843.4 (MANE Select); 6 bases into the intron after coding-DNA position 1495, G replaced by T.
Molecular consequence: intron variant.
Genome position (GRCh38, 1-based): chr15:76,765,557, C>A on the plus strand (G>T on the coding strand, the complement: SCAPER is on the minus strand). VCF-style: chr15-76765557-C-A. GRCh37 (hg19) VCF-style: chr15-77057898-C-A.
Other names: c.1111+6G>T (NM_001353011.2); c.1093+6G>T (NM_001353012.2, NM_001353010.2); c.1513+6G>T (NM_001353009.2, NM_001353009.1); c.757+6G>T (NM_001145923.2).
Identifiers: ClinVar variation 4925985 (VCV004925985.2).

ClinVar aggregate classification (germline): Likely benign. Review status: criteria provided, multiple submitters, no conflicts (2 of 4 stars). 2 submissions from 2 submitters: Likely benign (2). Last evaluated 2024-12-06.

Conditions:
SCAPER-related disorder. Also called: SCAPER-related condition.

gnomAD v4.1: 27 of 1,599,396 alleles (0.0017%); highest among the groups gnomAD compares: Middle Eastern, 0.033%; no homozygotes.

Submissions (2):

PreventionGenetics, part of Exact Sciences
Classification: Likely benign for SCAPER-related condition. Last evaluated: 2024-12-06. Review status: criteria provided, single submitter. Criteria: ACMG Guidelines, 2015. Collection method: clinical testing. Allele origin: germline.
Comment: This variant is classified as likely benign based on ACMG/AMP sequence variant interpretation guidelines (Richards et al. 2015 PMID: 25741868, with internal and published modifications).

Blueprint Genetics
Classification: Likely benign. Last evaluated: 2024-07-02. Review status: criteria provided, single submitter. Criteria: ACMG Guidelines, 2015. Collection method: clinical testing. Allele origin: germline.